The following is an entry in ClinVar:

NM_001170700.3(DTHD1):c.2473A>G (p.Thr825Ala)

Gene: DTHD1 (death domain containing 1; plus strand). Cytogenetic location: 4p14.
Variant type: single nucleotide variant.
Coding change: c.2473A>G on transcript NM_001170700.3 (MANE Select); coding-DNA position 2473, A replaced by G.
Protein change: p.Thr825Ala; replaces threonine 825 with alanine.
Molecular consequence: missense variant. On other transcripts: synonymous variant (1), non-coding transcript variant (2).
Genome position (GRCh38, 1-based): chr4:36,343,576, A>G. VCF-style: chr4-36343576-A-G. GRCh37 (hg19) VCF-style: chr4-36345198-A-G.
Other names: c.1603A>G, p.Thr535Ala (NM_001136536.5); c.1482A>G, p.Gln494= (NM_001378435.1); c.2098A>G (NM_001170700.1); short protein forms T535A, T825A.
Identifiers: ClinVar variation 1467500 (VCV001467500.9), dbSNP rs961842636, ClinGen allele CA95814239.

ClinVar aggregate classification (germline): Uncertain significance. Review status: criteria provided, multiple submitters, no conflicts (2 of 4 stars). 2 submissions from 2 submitters: Uncertain significance (2). Last evaluated 2025-01-06.

Allele frequency attached by ClinVar (database versions not stated): gnomAD 0.00001; TOPMed 0.00001.
gnomAD v4.1: 3 of 1,551,000 alleles (0.00019%); highest among the groups gnomAD compares: African/African-American, 0.0027%; no homozygotes.

Submissions (2):

Labcorp Genetics (formerly Invitae), Labcorp
Classification: Uncertain significance. Last evaluated: 2025-01-06. Review status: criteria provided, single submitter. Criteria: Invitae Variant Classification Sherloc (09022015). Collection method: clinical testing. Allele origin: germline.
Comment: This sequence change replaces threonine, which is neutral and polar, with alanine, which is neutral and non-polar, at codon 535 of the DTHD1 protein (p.Thr535Ala). This variant is not present in population databases (gnomAD no frequency). This variant has not been reported in the literature in individuals affected with DTHD1-related conditions. ClinVar contains an entry for this variant (Variation ID: 1467500). An algorithm developed to predict the effect of missense changes on protein structure and function (PolyPhen-2) suggests that this variant is likely to be tolerated. Algorithms developed to predict the effect of sequence changes on RNA splicing suggest that this variant may create or strengthen a splice site. In summary, the available evidence is currently insufficient to determine the role of this variant in disease. Therefore, it has been classified as a Variant of Uncertain Significance.

Ambry Genetics
Classification: Uncertain significance. Last evaluated: 2023-12-15. Review status: criteria provided, single submitter. Criteria: Ambry Variant Classification Scheme 2023. Collection method: clinical testing. Allele origin: germline.